The following is an entry in ClinVar:

ClinVar aggregate classification (germline): Uncertain significance. Review status: criteria provided, multiple submitters, no conflicts (2 of 4 stars). 2 submissions from 2 submitters: Uncertain significance (2). Last evaluated 2025-08-01.

gnomAD v4.1: 8 of 1,490,466 alleles (0.00054%); highest among the groups gnomAD compares: Non-Finnish European, 0.00045%; no homozygotes.

Submissions (2):

CeGaT Center for Human Genetics Tuebingen
Classification: Uncertain significance. Last evaluated: 2025-08-01. Review status: criteria provided, single submitter. Criteria: CeGaT Center For Human Genetics Tuebingen Variant Classification Criteria Version 2. Collection method: clinical testing. Allele origin: germline. Affected: yes. Observed: 1 variant allele.
Comment: ZNF407: PM2, BP4

Ambry Genetics
Classification: Uncertain significance. Last evaluated: 2025-06-09. Review status: criteria provided, single submitter. Criteria: Ambry Variant Classification Scheme 2023. Collection method: clinical testing. Allele origin: germline.

NM_017757.3(ZNF407):c.6734T>G (p.Leu2245Arg)

Gene: ZNF407 (zinc finger protein 407; plus strand). Cytogenetic location: 18q22.3.
Variant type: single nucleotide variant.
Coding change: c.6734T>G on transcript NM_017757.3 (MANE Select); coding-DNA position 6734, T replaced by G.
Protein change: p.Leu2245Arg; replaces leucine 2245 with arginine.
Molecular consequence: missense variant.
Genome position (GRCh38, 1-based): chr18:75,064,455, T>G. VCF-style: chr18-75064455-T-G. GRCh37 (hg19) VCF-style: chr18-72776411-T-G.
Other names: c.6734T>G, p.Leu2245Arg (NM_001384475.1); short protein forms L2245R.
Identifiers: ClinVar variation 3986906 (VCV003986906.9).
Genomic context (GRCh38, chr18:75,064,455, plus strand): 5'-ACACCCAGGAGGGCTCCTCGGCCGCGGCGGCAATTCAGAGCCAAAGAGAAAGCAGCGAAC[T>G]CCAGGAAGCATGAGACGCGCGGCACCTTTACTCAGCACAGGGCAGGTGTGGGAAGGTCCA-3'
Protein context (NP_060227.2, residues 2235-2248): AIQSQRESSE[Leu2245Arg]QEA